The following is an entry in ClinVar:

NM_001399.5(EDA):c.1176G>C (p.Ter392Tyr)

Gene: EDA (ectodysplasin A; plus strand). Cytogenetic location: Xq13.1.
Variant type: single nucleotide variant.
Coding change: c.1176G>C on transcript NM_001399.5 (MANE Select); coding-DNA position 1176, G replaced by C.
Protein change: p.Ter392Tyr.
Molecular consequence: stop lost.
Genome position (GRCh38, 1-based): chrX:70,035,609, G>C. VCF-style: chrX-70035609-G-C. GRCh37 (hg19) VCF-style: chrX-69255459-G-C.
Other names: *387Y; *392Y; *390Y; c.1170G>C, p.Ter390Tyr (NM_001005609.2); c.1161G>C, p.Ter387Tyr (NM_001005612.3).
Identifiers: ClinVar variation 963670 (VCV000963670.11), dbSNP rs2020256932, ClinGen allele CA413450595.
Genomic context (GRCh38, chrX:70,035,609, plus strand): 5'-CATGAGCAAGCACACCACGTTCTTTGGGGCCATCAGGCTGGGTGAAGCCCCTGCATCCTA[G>C]ATTCCCCCCATTTTGCCTCTGTCCGTGCCCCTTCCCTGGGTTTGGGAGCCAGGACTCCCA-3'

ClinVar aggregate classification (germline): Conflicting classifications of pathogenicity. Review status: criteria provided, conflicting classifications (1 of 4 stars). 2 submissions from 2 submitters: Likely pathogenic (1); Uncertain significance (1). Last evaluated 2024-06-24.

Conditions:
Hypohidrotic X-linked ectodermal dysplasia (XHED). Also called: ECTODERMAL DYSPLASIA, HYPOHIDROTIC, 1; CST SYNDROME; ECTODERMAL DYSPLASIA 1; Christ-Siemans-Touraine syndrome; Ectodermal Dysplasia 1, Anhidrotic; Anhidrotic ectodermal dysplasia X-linked. Identifiers: Orphanet 181, Orphanet 238468, MedGen C0162359, MONDO:0010585, OMIM 305100.

Submissions (2):

Labcorp Genetics (formerly Invitae), Labcorp
Classification: Likely pathogenic for Hypohidrotic X-linked ectodermal dysplasia. Last evaluated: 2024-06-24. Review status: criteria provided, single submitter. Criteria: Invitae Variant Classification Sherloc (09022015). Collection method: clinical testing. Allele origin: germline.
Comment: This sequence change disrupts the translational stop signal of the EDA mRNA. It is expected to extend the length of the EDA protein by 29 additional amino acid residues. This variant is not present in population databases (gnomAD no frequency). This protein extension has been observed in individual(s) with ectodermal dysplasia (Invitae). ClinVar contains an entry for this variant (Variation ID: 963670). This variant results in an extension of the EDA protein. Other variant(s) that result in a similarly extended protein product (p.*392Glnext*29) have been determined to be pathogenic (PMID: 12930312, 35923710). This suggests that these extensions are likely to be disease-causing. In summary, the currently available evidence indicates that the variant is pathogenic, but additional data are needed to prove that conclusively. Therefore, this variant has been classified as Likely Pathogenic.

Revvity Omics, Revvity
Classification: Uncertain significance. Last evaluated: 2020-02-05. Review status: criteria provided, single submitter. Criteria: ACMG Guidelines, 2015. Collection method: clinical testing. Allele origin: germline.

Literature cited by the submitters: PubMed 12930312 (cited by Labcorp Genetics (formerly Invitae), Labcorp); PubMed 35923710 (cited by Labcorp Genetics (formerly Invitae), Labcorp).